The following is an entry in ClinVar:

NM_001009999.3(KDM1A):c.2388C>T (p.Asp796=)

Gene: KDM1A (lysine demethylase 1A; plus strand). Cytogenetic location: 1p36.12.
Variant type: single nucleotide variant.
Coding change: c.2388C>T on transcript NM_001009999.3 (MANE Select); coding-DNA position 2388, C replaced by T.
Protein change: p.Asp796=; no amino-acid change (aspartic acid 796 retained).
Molecular consequence: synonymous variant.
Genome position (GRCh38, 1-based): chr1:23,082,309, C>T. VCF-style: chr1-23082309-C-T. GRCh37 (hg19) VCF-style: chr1-23408802-C-T.
Other names: c.2388C>T (NM_001009999.2); c.2334C>T, p.Asp778= (NM_001363654.2); c.2394C>T, p.Asp798= (NM_001410762.1); c.2316C>T, p.Asp772= (NM_001410763.1, NM_015013.4).
Identifiers: ClinVar variation 2874839 (VCV002874839.6), dbSNP rs1265815983, ClinGen allele CA416591221.

ClinVar aggregate classification (germline): Likely benign. Review status: criteria provided, multiple submitters, no conflicts (2 of 4 stars). 3 submissions from 3 submitters: Likely benign (2). 1 of the submissions does not count toward it. Last evaluated 2025-01-13.

Conditions:
KDM1A-related disorder. Also called: KDM1A-related condition.
Inborn genetic diseases. Identifiers: MedGen C0950123, MeSH D030342.

Allele frequency attached by ClinVar (database versions not stated): gnomAD 0.00001; gnomAD exomes 0.00002.
gnomAD v4.1: 25 of 1,613,818 alleles (0.0015%); highest among the groups gnomAD compares: Non-Finnish European, 0.002%; no homozygotes.

Submissions (3):

Ambry Genetics
Classification: Likely benign for Inborn genetic diseases. Last evaluated: 2025-01-13. Review status: criteria provided, single submitter. Criteria: Ambry Variant Classification Scheme 2023. Collection method: clinical testing. Allele origin: germline.

Labcorp Genetics (formerly Invitae), Labcorp
Classification: Likely benign. Last evaluated: 2023-09-11. Review status: criteria provided, single submitter. Criteria: Invitae Variant Classification Sherloc (09022015). Collection method: clinical testing. Allele origin: germline.

PreventionGenetics, part of Exact Sciences
Classification: Likely benign for KDM1A-related condition. Last evaluated: 2019-03-20. Review status: no assertion criteria provided. Collection method: clinical testing. Allele origin: germline. Not counted in ClinVar's aggregate classification.
Comment: This variant is classified as likely benign based on ACMG/AMP sequence variant interpretation guidelines (Richards et al. 2015 PMID: 25741868, with internal and published modifications).